The following is an entry in ClinVar:

NM_000038.6(APC):c.5540C>T (p.Thr1847Met)

Gene: APC (APC regulator of Wnt signaling pathway; plus strand). Cytogenetic location: 5q22.2.
Variant type: single nucleotide variant.
Coding change: c.5540C>T on transcript NM_000038.6 (MANE Select); coding-DNA position 5540, C replaced by T.
Protein change: p.Thr1847Met; replaces threonine 1847 with methionine.
Molecular consequence: missense variant.
Genome position (GRCh38, 1-based): chr5:112,841,134, C>T. VCF-style: chr5-112841134-C-T. GRCh37 (hg19) VCF-style: chr5-112176831-C-T.
Other names: c.5540C>T, p.Thr1847Met (NM_001127510.3, NM_001354895.2); c.5486C>T, p.Thr1829Met (NM_001127511.3); c.5594C>T, p.Thr1865Met (NM_001354896.2); c.5570C>T, p.Thr1857Met (NM_001354897.2); c.5465C>T, p.Thr1822Met (NM_001354898.2); c.5456C>T, p.Thr1819Met (NM_001354899.2); c.5417C>T, p.Thr1806Met (NM_001354900.2); c.5363C>T, p.Thr1788Met (NM_001354901.2); and 5 more; short protein forms T1829M, T1847M, T1687M, T1819M, T1857M, T1746M, T1721M, T1788M.
Identifiers: ClinVar variation 470013 (VCV000470013.29), dbSNP rs371686531, ClinGen allele CA042267.

ClinVar aggregate classification (germline): Uncertain significance. Review status: criteria provided, multiple submitters, no conflicts (2 of 4 stars). 6 submissions from 6 submitters: Uncertain significance (6). Last evaluated 2025-11-02.

Conditions:
Familial adenomatous polyposis 1 (FAP1). Also called: POLYPOSIS, ADENOMATOUS INTESTINAL; FAMILIAL ADENOMATOUS POLYPOSIS 1, ATTENUATED. Identifiers: MedGen C2713442, MONDO:0021056, OMIM 175100. Disease mechanism: loss of function.
Hereditary cancer-predisposing syndrome. Also called: Hereditary neoplastic syndrome; Neoplastic Syndromes, Hereditary; Tumor predisposition; Hereditary Cancer Syndrome. Identifiers: Orphanet 140162, MedGen C0027672, MeSH D009386, MONDO:0015356.
Classic or attenuated familial adenomatous polyposis. Identifiers: MedGen CN372698, MONDO:0021057.

Allele frequency attached by ClinVar (database versions not stated): gnomAD exomes 0.00001; ExAC 0.00002; gnomAD 0.00004 and 0.00006; TOPMed 0.00004; ESP Exome Variant Server 0.00008.
gnomAD v4.1: 20 of 1,612,224 alleles (0.0012%); highest among the groups gnomAD compares: African/African-American, 0.0027%; no homozygotes.

Submissions (6):

Labcorp Genetics (formerly Invitae), Labcorp
Classification: Uncertain significance for Familial adenomatous polyposis 1. Last evaluated: 2025-11-02. Review status: criteria provided, single submitter. Criteria: Invitae Variant Classification Sherloc (09022015). Collection method: clinical testing. Allele origin: germline.
Comment: This sequence change replaces threonine, which is neutral and polar, with methionine, which is neutral and non-polar, at codon 1847 of the APC protein (p.Thr1847Met). This variant is present in population databases (rs371686531, gnomAD 0.009%). This variant has not been reported in the literature in individuals affected with APC-related conditions. ClinVar contains an entry for this variant (Variation ID: 470013). Invitae Evidence Modeling of protein sequence and biophysical properties (such as structural, functional, and spatial information, amino acid conservation, physicochemical variation, residue mobility, and thermodynamic stability) indicates that this missense variant is not expected to disrupt APC protein function with a negative predictive value of 95%. In summary, the available evidence is currently insufficient to determine the role of this variant in disease. Therefore, it has been classified as a Variant of Uncertain Significance.

Color Diagnostics, LLC DBA Color Health
Classification: Uncertain significance for Hereditary cancer-predisposing syndrome. Last evaluated: 2025-06-12. Review status: criteria provided, single submitter. Criteria: ACMG Guidelines, 2015. Collection method: clinical testing. Allele origin: germline.
Comment: This missense variant replaces threonine with methionine at codon 1847 of the APC protein. Computational prediction is inconclusive regarding the impact of this variant on protein structure and function. To our knowledge, functional studies have not been reported for this variant. This variant has not been reported in individuals affected with APC-related disorders in the literature. This variant has been identified in 3/251044 chromosomes in the general population by the Genome Aggregation Database (gnomAD). The available evidence is insufficient to determine the role of this variant in disease conclusively. Therefore, this variant is classified as a Variant of Uncertain Significance.

Ambry Genetics
Classification: Uncertain significance for Hereditary cancer-predisposing syndrome. Last evaluated: 2025-05-30. Review status: criteria provided, single submitter. Criteria: Ambry Variant Classification Scheme 2023. Collection method: clinical testing. Allele origin: germline.
Comment: The p.T1847M variant (also known as c.5540C>T), located in coding exon 15 of the APC gene, results from a C to T substitution at nucleotide position 5540. The threonine at codon 1847 is replaced by methionine, an amino acid with similar properties. In one study, this variant was detected in 0/165 colorectal cancer and/or polyposis patients and was identified in 1/2512 control individuals from a healthy population database (Rosenthal EA et al. Hum Genet, 2018 Oct;137:795-806).This amino acid position is highly conserved in available vertebrate species. In addition, in silico predictors for this gene do not accurately predict pathogenicity. Missense alterations in APC are not a common cause of disease (Spier I et al. Genet Med. 2024 Feb;26(2):100992). Since supporting evidence is limited at this time, the clinical significance of this alteration remains unclear.

Women's Health and Genetics/Laboratory Corporation of America, LabCorp
Classification: Uncertain significance. Last evaluated: 2024-04-23. Review status: criteria provided, single submitter. Criteria: LabCorp Variant Classification Summary - May 2015. Collection method: clinical testing. Allele origin: germline.
Comment: Variant summary: APC c.5540C>T (p.Thr1847Met) results in a non-conservative amino acid change in the encoded protein sequence. Five of five in-silico tools predict a damaging effect of the variant on protein function. The variant allele was found at a frequency of 1.2e-05 in 251044 control chromosomes. The available data on variant occurrences in the general population are insufficient to allow any conclusion about variant significance. To our knowledge, no occurrence of c.5540C>T in individuals affected with Familial Adenomatous Polyposis and no experimental evidence demonstrating its impact on protein function have been reported. ClinVar contains an entry for this variant (Variation ID: 470013). Based on the evidence outlined above, the variant was classified as uncertain significance.

All of Us Research Program, National Institutes of Health
Classification: Uncertain significance for Classic or attenuated familial adenomatous polyposis. Last evaluated: 2023-06-08. Review status: criteria provided, single submitter. Criteria: ACMG Guidelines, 2015. Collection method: clinical testing. Allele origin: germline. Inheritance: Autosomal dominant inheritance. Observed: 3 variant alleles, 3 heterozygotes.
Comment: This missense variant replaces threonine with methionine at codon 1847 of the APC protein. Computational prediction is inconclusive regarding the impact of this variant on protein structure and function (internally defined REVEL score threshold 0.5 < inconclusive < 0.7, PMID: 27666373). To our knowledge, functional studies have not been reported for this variant. This variant has not been reported in individuals affected with APC-related disorders in the literature. This variant has been identified in 3/251044 chromosomes in the general population by the Genome Aggregation Database (gnomAD). The available evidence is insufficient to determine the role of this variant in disease conclusively. Therefore, this variant is classified as a Variant of Uncertain Significance.

This study involves interpretation of variants in research participants for the purpose of population health screening. Participant phenotype was not available at the time of variant classification. Additional details can be found in publication PMID: 35346344, PMCID: PMC8962531

GeneDx
Classification: Uncertain significance. Last evaluated: 2023-03-01. Review status: criteria provided, single submitter. Criteria: GeneDx Variant Classification Process June 2021. Collection method: clinical testing. Allele origin: germline. Affected: yes.
Comment: Not observed at significant frequency in large population cohorts (gnomAD); In silico analysis supports that this missense variant has a deleterious effect on protein structure/function; Has not been previously published as pathogenic or benign to our knowledge; This variant is associated with the following publications: (PMID: 18199528, 29641532, 30267214)

Literature cited by the submitters: PubMed 30267214 (cited by Ambry Genetics).